The following is an entry in ClinVar:

NM_000416.3(IFNGR1):c.203T>A (p.Val68Asp)

Gene: IFNGR1 (interferon gamma receptor 1; minus strand). Cytogenetic location: 6q23.3.
Variant type: single nucleotide variant.
Coding change: c.203T>A on transcript NM_000416.3 (MANE Select); coding-DNA position 203, T replaced by A.
Protein change: p.Val68Asp; replaces valine 68 with aspartic acid.
Molecular consequence: missense variant.
Genome position (GRCh38, 1-based): chr6:137,206,306, A>T on the plus strand (T>A on the coding strand, the complement: IFNGR1 is on the minus strand). VCF-style: chr6-137206306-A-T. GRCh37 (hg19) VCF-style: chr6-137527443-A-T.
Other names: c.173T>A, p.Val58Asp (NM_001363526.1); c.80T>A, p.Val27Asp (NM_001363527.1); short protein forms V58D, V68D, V27D.
Identifiers: ClinVar variation 2771583 (VCV002771583.3), dbSNP rs2548235635, ClinGen allele CA365775966.

ClinVar aggregate classification (germline): Uncertain significance (1 of 4 stars; one submission).

Conditions:
Disseminated atypical mycobacterial infection. Identifiers: MedGen C0694566.

Submission:

Labcorp Genetics (formerly Invitae), Labcorp
Classification: Uncertain significance for Disseminated atypical mycobacterial infection. Last evaluated: 2023-10-24. Review status: criteria provided, single submitter. Criteria: Invitae Variant Classification Sherloc (09022015). Collection method: clinical testing. Allele origin: germline.
Comment: This sequence change replaces valine, which is neutral and non-polar, with aspartic acid, which is acidic and polar, at codon 68 of the IFNGR1 protein (p.Val68Asp). This variant is not present in population databases (gnomAD no frequency). This variant has not been reported in the literature in individuals affected with IFNGR1-related conditions. An algorithm developed to predict the effect of missense changes on protein structure and function (PolyPhen-2) suggests that this variant is likely to be tolerated. In summary, the available evidence is currently insufficient to determine the role of this variant in disease. Therefore, it has been classified as a Variant of Uncertain Significance.